The following is an entry in ClinVar:

NM_001318852.2(MAPK8IP3):c.3440G>A (p.Arg1147His)

Gene: MAPK8IP3 (mitogen-activated protein kinase 8 interacting protein 3; plus strand). Cytogenetic location: 16p13.3.
Variant type: single nucleotide variant.
Coding change: c.3440G>A on transcript NM_001318852.2 (MANE Select); coding-DNA position 3440, G replaced by A.
Protein change: p.Arg1147His; replaces arginine 1147 with histidine.
Molecular consequence: missense variant.
Genome position (GRCh38, 1-based): chr16:1,767,835, G>A. VCF-style: chr16-1767835-G-A. GRCh37 (hg19) VCF-style: chr16-1817836-G-A.
Other names: c.3419G>A, p.Arg1140His (NM_001040439.2); c.3437G>A, p.Arg1146His (NM_015133.5); c.3419G>A (NM_001040439.1); short protein forms R1140H, R1146H, R1147H.
Identifiers: ClinVar variation 1321925 (VCV001321925.2), dbSNP rs2141957171, ClinGen allele CA394238520.

ClinVar aggregate classification (germline): Conflicting classifications of pathogenicity. Review status: criteria provided, conflicting classifications (1 of 4 stars). 2 submissions from 2 submitters: Pathogenic (1); Uncertain significance (1). Last evaluated 2023-11-25.

Conditions:
Neurodevelopmental disorder. Identifiers: MedGen C1535926, MeSH D065886, MONDO:0700092.

Submissions (2):

GeneDx
Classification: Pathogenic. Last evaluated: 2023-11-25. Review status: criteria provided, single submitter. Criteria: GeneDx Variant Classification Process June 2021. Collection method: clinical testing. Allele origin: germline. Affected: yes.
Comment: Not observed at significant frequency in large population cohorts (gnomAD); In silico analysis supports that this missense variant has a deleterious effect on protein structure/function; Has not been previously published as pathogenic or benign to our knowledge

Laboratory of Molecular Genetics (Pr. Bezieau's lab), CHU de Nantes
Classification: Uncertain significance for Neurodevelopmental disorder. Last evaluated: 2021-06-03. Review status: criteria provided, single submitter. Criteria: ACMG Guidelines, 2015. Collection method: clinical testing. Allele origin: germline. Affected: yes.